The following is an entry in ClinVar:

ClinVar aggregate classification (germline): Uncertain significance (1 of 4 stars; one submission).

Submission:

Labcorp Genetics (formerly Invitae), Labcorp
Classification: Uncertain significance. Last evaluated: 2023-04-06. Review status: criteria provided, single submitter. Criteria: Invitae Variant Classification Sherloc (09022015). Collection method: clinical testing. Allele origin: germline.
Comment: This sequence change replaces asparagine, which is neutral and polar, with alanine, which is neutral and non-polar, at codon 493 of the DSG1 protein (p.Asn493Ala). Information on the frequency of this variant in the gnomAD database is not available, as this variant may be reported differently in the database. This variant has not been reported in the literature in individuals affected with DSG1-related conditions. An algorithm developed to predict the effect of missense changes on protein structure and function (PolyPhen-2) suggests that this variant is likely to be tolerated. In summary, the available evidence is currently insufficient to determine the role of this variant in disease. Therefore, it has been classified as a Variant of Uncertain Significance.

NM_001942.4(DSG1):c.1477_1478delinsGC (p.Asn493Ala)

Gene: DSG1 (desmoglein 1; plus strand). Cytogenetic location: 18q12.1.
Variant type: Indel.
Coding change: c.1477_1478delinsGC on transcript NM_001942.4 (MANE Select); coding-DNA positions 1477 to 1478, AA replaced by GC.
Protein change: p.Asn493Ala; replaces asparagine 493 with alanine.
Molecular consequence: missense variant.
Genome position (GRCh38, 1-based): chr18:31,339,815-31,339,816, AA replaced by GC. VCF-style: chr18-31339815-AA-GC. GRCh37 (hg19) VCF-style: chr18-28919778-AA-GC.
Other names: short protein forms N493A.
Identifiers: ClinVar variation 2852757 (VCV002852757.3), dbSNP rs2510836208, ClinGen allele CA2739268628.